The following is an entry in ClinVar:

ClinVar aggregate classification (germline): Uncertain significance. Review status: criteria provided, multiple submitters, no conflicts (2 of 4 stars). 4 submissions from 4 submitters: Uncertain significance (4). Last evaluated 2024-08-21.

Conditions:
ABCA4-related disorder. Also called: ABCA4-related condition; ABCA4-related disorders. Identifiers: MedGen CN239167.
Severe early-childhood-onset retinal dystrophy (STGD1). Also called: Stargardt macular dystrophy; Juvenile onset macular degeneration; Stargardt disease 1; MACULAR DYSTROPHY WITH FLECKS, TYPE 1; STGD. Identifiers: Orphanet 364055, Orphanet 827, MedGen C1855465, MeSH D000080362, MONDO:0009549, OMIM 248200.
Cone-rod dystrophy 3 (CORD3). Identifiers: Orphanet 1872, MedGen C1858806, MONDO:0011395, OMIM 604116.
Retinitis pigmentosa 19 (RP19). Also called: ABCA4-Related Retinitis Pigmentosa. Identifiers: Orphanet 791, MedGen C1866422, MONDO:0011137, OMIM 601718.
Age related macular degeneration 2. Also called: MACULAR DEGENERATION, SENILE; MACULOPATHY, AGE-RELATED, 2; MACULOPATHY, AGE-RELATED. Identifiers: MedGen C3495438, MONDO:0007932, OMIM 153800.

Allele frequency attached by ClinVar (database versions not stated): TOPMed 0.00002; ESP Exome Variant Server 0.00008; ExAC 0.00002; gnomAD exomes 0.00001 and 0.00003.
gnomAD v4.1: 54 of 1,613,956 alleles (0.0033%); highest among the groups gnomAD compares: Non-Finnish European, 0.0035%; no homozygotes.

Submissions (4):

Blueprint Genetics
Classification: Uncertain significance. Last evaluated: 2024-08-21. Review status: criteria provided, single submitter. Criteria: ACMG Guidelines, 2015. Collection method: clinical testing. Allele origin: germline.

Labcorp Genetics (formerly Invitae), Labcorp
Classification: Uncertain significance. Last evaluated: 2022-09-13. Review status: criteria provided, single submitter. Criteria: Invitae Variant Classification Sherloc (09022015). Collection method: clinical testing. Allele origin: germline.
Comment: This sequence change creates a premature translational stop signal (p.Arg2269*) in the ABCA4 gene. While this is not anticipated to result in nonsense mediated decay, it is expected to disrupt the last 5 amino acid(s) of the ABCA4 protein. This variant is present in population databases (rs372234578, gnomAD 0.003%). This variant has not been reported in the literature in individuals affected with ABCA4-related conditions. ClinVar contains an entry for this variant (Variation ID: 874699). This variant disrupts a region of the ABCA4 protein in which other variant(s) (p.Gln2272Arg) have been observed in individuals with ABCA4-related conditions (Invitae). This suggests that this is a clinically significant region of the protein, and that variants that disrupt it are likely to be disease-causing. In summary, the available evidence is currently insufficient to determine the role of this variant in disease. Therefore, it has been classified as a Variant of Uncertain Significance.

Fulgent Genetics
Classification: Uncertain significance for Age related macular degeneration 2; Severe early-childhood-onset retinal dystrophy; Retinitis pigmentosa 19; Cone-rod dystrophy 3. Last evaluated: 2022-03-03. Review status: criteria provided, single submitter. Criteria: ACMG Guidelines, 2015. Collection method: clinical testing. Allele origin: unknown.

Illumina Laboratory Services, Illumina
Classification: Uncertain significance for ABCA4-Related Disorders. Last evaluated: 2018-10-12. Review status: criteria provided, single submitter. Criteria: ICSL Variant Classification Criteria 13 December 2019. Collection method: clinical testing. Allele origin: germline.
Comment: This variant was observed as part of a predisposition screen in an ostensibly healthy population. A literature search was performed for the gene, cDNA change, and amino acid change (where applicable). Publications were found based on this search. However, the evidence from the literature, in combination with allele frequency data from public databases where available, was not sufficient to rule this variant in or out of causing disease. Therefore, this variant is classified as a variant of unknown significance.

Literature cited by the submitters: PubMed 25087612 (cited by Illumina Laboratory Services, Illumina).

NM_000350.3(ABCA4):c.6805C>T (p.Arg2269Ter)

Gene: ABCA4 (ATP binding cassette subfamily A member 4; minus strand). Cytogenetic location: 1p22.1.
Variant type: single nucleotide variant.
Coding change: c.6805C>T on transcript NM_000350.3 (MANE Select); coding-DNA position 6805, C replaced by T.
Protein change: p.Arg2269Ter; replaces arginine 2269 with a stop codon.
Molecular consequence: nonsense.
Genome position (GRCh38, 1-based): chr1:93,996,120, G>A on the plus strand (C>T on the coding strand, the complement: ABCA4 is on the minus strand). VCF-style: chr1-93996120-G-A. GRCh37 (hg19) VCF-style: chr1-94461676-G-A.
Other names: c.6583C>T, p.Arg2195Ter (NM_001425324.1); short protein forms R2269*, R2195*.
Identifiers: ClinVar variation 874699 (VCV000874699.10), dbSNP rs372234578, ClinGen allele CA956787.
Genomic context (GRCh38, chr1:93,996,120, plus strand): 5'-GAGCCAAGGAACTGCCTCAAGCTGTGGACTGCATAAGCAGCAGGGGTACCTGGGCTTGTC[G>A]ACTGGCTCCAGCAGCTCGAGGGTGCAGAGGGAGGTCATGACTTTCAGTCTGCTGTTTAGC-3'